The following is an entry in ClinVar:

ClinVar aggregate classification (germline): Likely benign. Review status: criteria provided, single submitter (1 of 4 stars). 2 submissions from 2 submitters: Likely benign (1). 1 of the submissions does not count toward it. Last evaluated 2024-07-03.

Conditions:
Charcot-Marie-Tooth disease type 2. Also called: Charcot-Marie-Tooth type 2. Identifiers: Orphanet 64746, MedGen C0270914, MONDO:0018993.
AARS1-related disorder. Also called: AARS1-related condition.

Allele frequency attached by ClinVar (database versions not stated): ExAC 0.00002; gnomAD 0.00001.
gnomAD v4.1: 8 of 1,614,164 alleles (0.0005%); highest among the groups gnomAD compares: Middle Eastern, 0.016%; no homozygotes.

Submissions (2):

Labcorp Genetics (formerly Invitae), Labcorp
Classification: Likely benign for Charcot-Marie-Tooth disease type 2. Last evaluated: 2024-07-03. Review status: criteria provided, single submitter. Criteria: Invitae Variant Classification Sherloc (09022015). Collection method: clinical testing. Allele origin: germline.

PreventionGenetics, part of Exact Sciences
Classification: Likely benign for AARS1-related condition. Last evaluated: 2019-07-10. Review status: no assertion criteria provided. Collection method: clinical testing. Allele origin: germline. Not counted in ClinVar's aggregate classification.
Comment: This variant is classified as likely benign based on ACMG/AMP sequence variant interpretation guidelines (Richards et al. 2015 PMID: 25741868, with internal and published modifications).

NM_001605.3(AARS1):c.672-5T>C

Gene: AARS1 (alanyl-tRNA synthetase 1; minus strand). Cytogenetic location: 16q22.1.
Variant type: single nucleotide variant.
Coding change: c.672-5T>C on transcript NM_001605.3 (MANE Select); 5 bases into the intron before coding-DNA position 672, T replaced by C.
Molecular consequence: intron variant.
Genome position (GRCh38, 1-based): chr16:70,270,345, A>G on the plus strand (T>C on the coding strand, the complement: AARS1 is on the minus strand). VCF-style: chr16-70270345-A-G. GRCh37 (hg19) VCF-style: chr16-70304248-A-G.
Other names: c.672-5T>C (NM_001605.2).
Identifiers: ClinVar variation 1682291 (VCV001682291.10), dbSNP rs777431545, ClinGen allele CA8141064.